The following is an entry in ClinVar:

ClinVar aggregate classification (germline): Likely pathogenic (1 of 4 stars; one submission).

Submission:

GeneDx
Classification: Likely pathogenic. Last evaluated: 2017-02-10. Review status: criteria provided, single submitter. Criteria: GeneDx Variant Classification (06012015). Collection method: clinical testing. Allele origin: germline. Affected: yes.
Comment: The c.6651delT variant in the HERC1 gene has not been reported previously as a pathogenic variant nor as a benign variant, to our knowledge. The c.6651delT variant causes a frameshift starting with codon Glutamine 2218, changes this amino acid to a Serine residue, and creates a premature Stop codon at position 20 of the new reading frame, denoted p.Gln2218SerfsX20. This variant is predicted to cause loss of normal protein function either through protein truncation or nonsense-mediated mRNA decay. The c.6651delT variant is not observed in large population cohorts (Lek et al., 2016; 1000 Genomes Consortium et al., 2015; Exome Variant Server). Therefore, the c.6651delT variant is a strong candidate for a pathogenic variant.

NM_003922.4(HERC1):c.6651del (p.Gln2218fs)

Gene: HERC1 (HECT and RLD domain containing E3 ubiquitin protein ligase family member 1; minus strand). Cytogenetic location: 15q22.31.
Variant type: Deletion.
Coding change: c.6651del on transcript NM_003922.4 (MANE Select); coding-DNA position 6651, one base deleted (T; older notation c.6651delT).
Protein change: p.Gln2218fs; shifts the reading frame from glutamine 2218.
Molecular consequence: frameshift variant.
Genome position (GRCh38, 1-based): chr15:63,678,264, A deleted on the plus strand (T on the coding strand, the reverse complement: HERC1 is on the minus strand); the first of 2 consecutive A bases (chr15:63,678,264-63,678,265); deleting either gives the same sequence. VCF-style (leftmost placement, unchanged base first): chr15-63678263-GA-G. GRCh37 (hg19) VCF-style: chr15-63970462-GA-G.
Other names: short protein forms Q2218fs.
Identifiers: ClinVar variation 423585 (VCV000423585.2), dbSNP rs1064796508, ClinGen allele CA16619984.